The following is an entry in ClinVar:

ClinVar aggregate classification (germline): Uncertain significance (1 of 4 stars; one submission).

Conditions:
RASopathy. Also called: rasopathies; Noonan spectrum disorder. Identifiers: Orphanet 536391, MedGen C5555857, MONDO:0021060.

Submission:

Labcorp Genetics (formerly Invitae), Labcorp
Classification: Uncertain significance for RASopathy. Last evaluated: 2024-07-22. Review status: criteria provided, single submitter. Criteria: Invitae Variant Classification Sherloc (09022015). Collection method: clinical testing. Allele origin: germline.
Comment: This sequence change replaces serine, which is neutral and polar, with arginine, which is basic and polar, at codon 296 of the CBL protein (p.Ser296Arg). This variant is not present in population databases (gnomAD no frequency). This variant has not been reported in the literature in individuals affected with CBL-related conditions. Advanced modeling of protein sequence and biophysical properties (such as structural, functional, and spatial information, amino acid conservation, physicochemical variation, residue mobility, and thermodynamic stability) has been performed at Invitae for this missense variant, however the output from this modeling did not meet the statistical confidence thresholds required to predict the impact of this variant on CBL protein function. In summary, the available evidence is currently insufficient to determine the role of this variant in disease. Therefore, it has been classified as a Variant of Uncertain Significance.

NM_005188.4(CBL):c.888C>G (p.Ser296Arg)

Gene: CBL (Cbl proto-oncogene; plus strand). Cytogenetic location: 11q23.3.
Variant type: single nucleotide variant.
Coding change: c.888C>G on transcript NM_005188.4 (MANE Select); coding-DNA position 888, C replaced by G.
Protein change: p.Ser296Arg; replaces serine 296 with arginine.
Molecular consequence: missense variant.
Genome position (GRCh38, 1-based): chr11:119,276,015, C>G. VCF-style: chr11-119276015-C-G. GRCh37 (hg19) VCF-style: chr11-119146725-C-G.
Other names: short protein forms S296R.
Identifiers: ClinVar variation 3634385 (VCV003634385.2).
Genomic context (GRCh38, chr11:119,276,015, plus strand): 5'-CCAGCATAATCTACTAAAGCTTCTGTTTATGTCTGTTCATAGTTATATCTTCCGGCTGAG[C>G]TGTACTCGTCTGGGTCAGTGGGCTATTGGGTATGTTACTGCTGATGGGAACATTCTCCAG-3'
Protein context (NP_005179.2, residues 286-306): HKPGSYIFRL[Ser296Arg]CTRLGQWAIG